The following is an entry in ClinVar:

NM_025114.4(CEP290):c.4865G>A (p.Arg1622His)

Gene: CEP290 (centrosomal protein 290; minus strand). Cytogenetic location: 12q21.32.
Variant type: single nucleotide variant.
Coding change: c.4865G>A on transcript NM_025114.4 (MANE Select); coding-DNA position 4865, G replaced by A.
Protein change: p.Arg1622His; replaces arginine 1622 with histidine.
Molecular consequence: missense variant.
Genome position (GRCh38, 1-based): chr12:88,083,178, C>T on the plus strand (G>A on the coding strand, the complement: CEP290 is on the minus strand). VCF-style: chr12-88083178-C-T. GRCh37 (hg19) VCF-style: chr12-88476955-C-T.
Other names: short protein forms R1622H.
Identifiers: ClinVar variation 1696401 (VCV001696401.10), dbSNP rs758453972, ClinGen allele CA6711837.

ClinVar aggregate classification (germline): Uncertain significance. Review status: criteria provided, multiple submitters, no conflicts (2 of 4 stars). 8 submissions from 8 submitters: Uncertain significance (7). 1 of the submissions does not count toward it. Last evaluated 2026-09-02.

Conditions:
Genetic developmental and epileptic encephalopathy. Identifiers: MedGen CN379639, MONDO:0100062.
Retinal dystrophy. Also called: Inherited retinal dystrophy. Identifiers: Orphanet 71862, MedGen C0854723, MeSH D058499, MONDO:0019118, HP:0000556.
Meckel-Gruber syndrome. Also called: DYSENCEPHALIA SPLANCHNOCYSTICA; GRUBER SYNDROME; Dysencephalia splachnocystica. Identifiers: Orphanet 564, MedGen C0265215, MONDO:0018921.
Joubert syndrome. Also called: JOUBERT-BOLTSHAUSER SYNDROME; Familial aplasia of the vermis. Identifiers: Orphanet 475, MedGen C5979921, MONDO:0018772.
Nephronophthisis. Also called: Juvenile Nephronophthisis. Identifiers: Orphanet 655, MedGen C0687120, MONDO:0019005, HP:0000090.
CEP290-related disorder. Also called: CEP290-related condition; CEP290-related disorders. Identifiers: MedGen CN239314.
Leber congenital amaurosis 10 (LCA10). Identifiers: Orphanet 65, MedGen C1857821, MONDO:0012723, OMIM 611755.
Senior-Loken syndrome 6 (SLSN6). Identifiers: Orphanet 3156, MedGen C1857779, MONDO:0012433, OMIM 610189.
Meckel syndrome, type 4 (MKS4). Also called: MECKEL-GRUBER SYNDROME, TYPE 4. Identifiers: Orphanet 564, MedGen C1970161, MONDO:0012626, OMIM 611134.
Joubert syndrome 5 (JBTS5). Identifiers: Orphanet 2318, MedGen C1857780, MONDO:0012432, OMIM 610188.
Bardet-Biedl syndrome 14 (BBS14). Identifiers: Orphanet 110, MedGen C2673874, MONDO:0014442, OMIM 615991.

Allele frequency attached by ClinVar (database versions not stated): gnomAD 0.00005; TOPMed 0.00006.
gnomAD v4.1: 54 of 1,531,398 alleles (0.0035%); highest among the groups gnomAD compares: Middle Eastern, 0.034%; no homozygotes.

Submissions (8):

PreventionGenetics, part of Exact Sciences
Classification: Uncertain significance for CEP290-related condition. Last evaluated: 2026-09-02. Review status: criteria provided, single submitter. Criteria: ACMG Guidelines, 2015. Collection method: clinical testing. Allele origin: germline.
Comment: The CEP290 c.4865G>A variant is predicted to result in the amino acid substitution p.Arg1622His. To our knowledge, this variant has not been reported in the literature. This variant is reported in 0.050% of alleles in individuals of East Asian descent in gnomAD. At this time, the clinical significance of this variant is uncertain due to the absence of conclusive functional and genetic evidence.

Fulgent Genetics
Classification: Uncertain significance for Joubert syndrome 5; Senior-Loken syndrome 6; Meckel syndrome, type 4; Leber congenital amaurosis 10; Bardet-Biedl syndrome 14. Last evaluated: 2024-05-20. Review status: criteria provided, single submitter. Criteria: ACMG Guidelines, 2015. Collection method: clinical testing. Allele origin: germline.

Blueprint Genetics
Classification: Uncertain significance. Last evaluated: 2024-03-19. Review status: criteria provided, single submitter. Criteria: ACMG Guidelines, 2015. Collection method: clinical testing. Allele origin: germline.

GeneDx
Classification: Uncertain significance. Last evaluated: 2023-08-03. Review status: criteria provided, single submitter. Criteria: GeneDx Variant Classification Process June 2021. Collection method: clinical testing. Allele origin: germline. Affected: yes.
Comment: In silico analysis supports that this missense variant does not alter protein structure/function; Has not been previously published as pathogenic or benign to our knowledge

Labcorp Genetics (formerly Invitae), Labcorp
Classification: Uncertain significance for Joubert syndrome; Meckel-Gruber syndrome; Nephronophthisis. Last evaluated: 2022-10-17. Review status: criteria provided, single submitter. Criteria: Invitae Variant Classification Sherloc (09022015). Collection method: clinical testing. Allele origin: germline.
Comment: This sequence change replaces arginine, which is basic and polar, with histidine, which is basic and polar, at codon 1622 of the CEP290 protein (p.Arg1622His). The frequency data for this variant in the population databases is considered unreliable, as metrics indicate poor data quality at this position in the gnomAD database. This variant has not been reported in the literature in individuals affected with CEP290-related conditions. ClinVar contains an entry for this variant (Variation ID: 1696401). Algorithms developed to predict the effect of missense changes on protein structure and function output the following: SIFT: "Deleterious"; PolyPhen-2: "Benign"; Align-GVGD: "Class C0". The histidine amino acid residue is found in multiple mammalian species, which suggests that this missense change does not adversely affect protein function. In summary, the available evidence is currently insufficient to determine the role of this variant in disease. Therefore, it has been classified as a Variant of Uncertain Significance.

Women's Health and Genetics/Laboratory Corporation of America, LabCorp
Classification: Uncertain significance. Last evaluated: 2022-05-17. Review status: criteria provided, single submitter. Criteria: LabCorp Variant Classification Summary - May 2015. Collection method: clinical testing. Allele origin: germline.
Comment: Variant summary: CEP290 c.4865G>A (p.Arg1622His) results in a non-conservative amino acid change in the encoded protein sequence. Three of five in-silico tools predict a damaging effect of the variant on protein function. The variant allele was found at a frequency of 7.1e-05 in 183602 control chromosomes (gnomAD). This frequency is not significantly higher than expected for a pathogenic variant in CEP290 causing Meckel Syndrome Type 4 (7.1e-05 vs 0.0011), allowing no conclusion about variant significance. To our knowledge, no occurrence of c.4865G>A in individuals affected with Meckel Syndrome Type 4 and no experimental evidence demonstrating its impact on protein function have been reported. No clinical diagnostic laboratories have submitted clinical-significance assessments for this variant to ClinVar after 2014. Based on the evidence outlined above, the variant was classified as uncertain significance.

Cambridge Genomics Laboratory, East Genomic Laboratory Hub, NHS Genomic Medicine Service
Classification: Uncertain significance for Genetic developmental and epileptic encephalopathy. Last evaluated: 2020-04-23. Review status: criteria provided, single submitter. Criteria: ACGS Best Practice Guidelines for Variant Classification in Rare Disease 2020. Collection method: clinical testing. Allele origin: germline. Affected: yes. Observed: 1 variant allele.

Institute of Human Genetics, Univ. Regensburg, Univ. Regensburg
Classification: Uncertain significance for Retinal dystrophy. Last evaluated: 2016-01-01. Review status: no assertion criteria provided. Criteria: ACMG Guidelines, 2015. Collection method: clinical testing. Allele origin: germline. Affected: yes. Not counted in ClinVar's aggregate classification.